The following is an entry in ClinVar:

NM_015629.4(PRPF31):c.351dup (p.Tyr118fs)

Genes: PRPF31 (pre-mRNA processing factor 31; plus strand), PRPF31-AS1 (PRPF31 antisense RNA 1; minus strand). Cytogenetic location: 19q13.42.
Variant type: Duplication.
Coding change: c.351dup on transcript NM_015629.4 (MANE Select); coding-DNA position 351, one base duplicated (G; older notation c.351dupG).
Protein change: p.Tyr118fs; shifts the reading frame from tyrosine 118.
Molecular consequence: frameshift variant. On other transcripts: non-coding transcript variant (1).
Genome position (GRCh38, 1-based): chr19:54,122,525, G duplicated. VCF-style (leftmost placement, unchanged base first): chr19-54122524-A-AG. GRCh37 (hg19) VCF-style: chr19-54625903-A-AG.
Other names: short protein forms Y118fs.
Identifiers: ClinVar variation 2767324 (VCV002767324.3), dbSNP rs2516126445, ClinGen allele CA2697547246.

ClinVar aggregate classification (germline): Pathogenic (1 of 4 stars; one submission).

Submission:

Labcorp Genetics (formerly Invitae), Labcorp
Classification: Pathogenic. Last evaluated: 2024-02-11. Review status: criteria provided, single submitter. Criteria: Invitae Variant Classification Sherloc (09022015). Collection method: clinical testing. Allele origin: germline.
Comment: This sequence change creates a premature translational stop signal (p.Tyr118Valfs*7) in the PRPF31 gene. It is expected to result in an absent or disrupted protein product. Loss-of-function variants in PRPF31 are known to be pathogenic (PMID: 18317597, 23950152). This variant is not present in population databases (gnomAD no frequency). This variant has not been reported in the literature in individuals affected with PRPF31-related conditions. For these reasons, this variant has been classified as Pathogenic.

Literature cited by the submitters: PubMed 18317597; PubMed 23950152.